The following is an entry in ClinVar:

NM_198576.4(AGRN):c.1968C>T (p.Ile656=)

Gene: AGRN (agrin; plus strand). Cytogenetic location: 1p36.33.
Variant type: single nucleotide variant.
Coding change: c.1968C>T on transcript NM_198576.4 (MANE Select); coding-DNA position 1968, C replaced by T.
Protein change: p.Ile656=; no amino-acid change (isoleucine 656 retained).
Molecular consequence: synonymous variant.
Genome position (GRCh38, 1-based): chr1:1,043,992, C>T. VCF-style: chr1-1043992-C-T. GRCh37 (hg19) VCF-style: chr1-979372-C-T.
Other names: c.1968C>T, p.Ile656= (NM_001305275.2); c.1653C>T, p.Ile551= (NM_001364727.2).
Identifiers: ClinVar variation 2733466 (VCV002733466.4), dbSNP rs770946661, ClinGen allele CA508396.

ClinVar aggregate classification (germline): Likely benign. Review status: criteria provided, multiple submitters, no conflicts (2 of 4 stars). 2 submissions from 2 submitters: Likely benign (2). Last evaluated 2026-08-01.

Conditions:
Congenital myasthenic syndrome 8. Also called: MYASTHENIC SYNDROME, CONGENITAL, DUE TO AGRIN DEFICIENCY; Myasthenic syndrome, congenital, 8, with pre- and postsynaptic defects. Identifiers: Orphanet 590, MedGen C3808739, MONDO:0014052, OMIM 615120.

Allele frequency attached by ClinVar (database versions not stated): TOPMed 0.00002; gnomAD 0.00003.
gnomAD v4.1: 31 of 1,606,484 alleles (0.0019%); highest among the groups gnomAD compares: Non-Finnish European, 0.0024%; no homozygotes.

Submissions (2):

CeGaT Center for Human Genetics Tuebingen
Classification: Likely benign. Last evaluated: 2026-08-01. Review status: criteria provided, single submitter. Criteria: CeGaT Center For Human Genetics Tuebingen Variant Classification Criteria Version 2. Collection method: clinical testing. Allele origin: germline. Affected: yes. Observed: 1 variant allele.
Comment: AGRN: BP4, BP7

Labcorp Genetics (formerly Invitae), Labcorp
Classification: Likely benign for Congenital myasthenic syndrome 8. Last evaluated: 2022-12-22. Review status: criteria provided, single submitter. Criteria: Invitae Variant Classification Sherloc (09022015). Collection method: clinical testing. Allele origin: germline.